The following is an entry in ClinVar:

ClinVar aggregate classification (germline): Likely pathogenic (1 of 4 stars; one submission).

Conditions:
Duchenne muscular dystrophy (DMD). Also called: Duchenne Muscular Dystrophy (DMD); MUSCULAR DYSTROPHY, PSEUDOHYPERTROPHIC PROGRESSIVE, DUCHENNE TYPE. Identifiers: Orphanet 98896, MedGen C0013264, MONDO:0010679, OMIM 310200.

Submission:

Labcorp Genetics (formerly Invitae), Labcorp
Classification: Likely pathogenic for Duchenne muscular dystrophy. Last evaluated: 2021-09-08. Review status: criteria provided, single submitter. Criteria: Invitae Variant Classification Sherloc (09022015). Collection method: clinical testing. Allele origin: germline.
Comment: This variant results in a copy number gain of the genomic region encompassing exon(s) 1-7 of the DMD gene. This region includes the initiator codon of the gene. This copy number gain extends beyond the assayed region for this gene and therefore may encompass additional genes. As the precise location of this event is unknown, it may be in tandem or it may be located elsewhere in the genome. A similar copy number variant has been observed in individuals with Duchenne Muscular Dystrophy (PMID: 21515508; Invitae). In summary, the currently available evidence indicates that the variant is pathogenic, but additional data are needed to prove that conclusively. Therefore, this variant has been classified as Likely Pathogenic.

Literature cited by the submitters: PubMed 21515508.

NC_000023.10:g.(?_32827600)_(33357392_?)dup

Gene: DMD (dystrophin; minus strand). Cytogenetic location: Xp21.1.
Variant type: Duplication.
Identifiers: ClinVar variation 2424856 (VCV002424856.4).